The following is an entry in ClinVar:

NM_001127222.2(CACNA1A):c.1994C>T (p.Thr665Met)

Gene: CACNA1A (calcium voltage-gated channel subunit alpha1 A; minus strand). Cytogenetic location: 19p13.13.
Variant type: single nucleotide variant.
Coding change: c.1994C>T on transcript NM_001127222.2 (MANE Select); coding-DNA position 1994, C replaced by T.
Protein change: p.Thr665Met; replaces threonine 665 with methionine.
Molecular consequence: missense variant.
Genome position (GRCh38, 1-based): chr19:13,303,877, G>A on the plus strand (C>T on the coding strand, the complement: CACNA1A is on the minus strand). VCF-style: chr19-13303877-G-A. GRCh37 (hg19) VCF-style: chr19-13414691-G-A.
Other names: c.1997C>T (LRG_7t1, NM_023035.2); c.1997C>T, p.Thr666Met (NM_000068.4, NM_001127221.2, NM_001174080.2 and 1 more transcripts); short protein forms T666M, T665M.
Identifiers: ClinVar variation 8488 (VCV000008488.81), dbSNP rs121908212, ClinGen allele CA119650.

ClinVar aggregate classification (germline): Pathogenic. Review status: criteria provided, multiple submitters, no conflicts (2 of 4 stars). 24 submissions from 23 submitters: Pathogenic (20). 4 of the submissions do not count toward it. Last evaluated 2026-01-26.

Conditions:
CACNA1A-related disorder. Also called: CACNA1A-related condition.
Developmental and epileptic encephalopathy, 42 (DEE42A). Also called: Epileptic encephalopathy, early infantile, 42; DEVELOPMENTAL AND EPILEPTIC ENCEPHALOPATHY 42A; EPILEPTIC ENCEPHALOPATHY, EARLY INFANTILE, 42A. Identifiers: MedGen C4310716, MONDO:0014917, OMIM 617106.
Migraine, familial hemiplegic, 1. Also called: MIGRAINE, FAMILIAL HEMIPLEGIC 1, WITH PROGRESSIVE CEREBELLAR ATAXIA. Identifiers: Orphanet 569, MedGen C1832884, MONDO:0020756, OMIM 141500, MONDO:0007714.
Spinocerebellar ataxia type 6 (SCA6). Identifiers: Orphanet 98758, MedGen C0752124, MONDO:0008457, OMIM 183086.
Episodic ataxia type 2 (EA2). Also called: ATAXIA, EPISODIC, WITH NYSTAGMUS; ATAXIA, FAMILIAL PAROXYSMAL; CEREBELLAR ATAXIA, PAROXYSMAL, ACETAZOLAMIDE-RESPONSIVE; CEREBELLOPATHY, HEREDITARY PAROXYSMAL; EPISODIC ATAXIA, NYSTAGMUS-ASSOCIATED; ACETAZOLAMIDE-RESPONSIVE HEREDITARY PAROXYSMAL CEREBELLAR ATAXIA. Identifiers: Orphanet 97, MedGen C1720416, MONDO:0007163, OMIM 108500.
Inborn genetic diseases. Identifiers: MedGen C0950123, MeSH D030342.
Familial hemiplegic migraine. Identifiers: MedGen C0338484, MONDO:0000700.
Migraine, sporadic hemiplegic, with progressive cerebellar ataxia. Identifiers: MedGen C1832885.

Submissions 1 to 10 of 24:

Medical and Scientific Branch, Hong Kong Genome Institute
Classification: Pathogenic for Migraine, familial hemiplegic, 1. Last evaluated: 2026-01-26. Review status: criteria provided, single submitter. Criteria: ACMG Guidelines, 2015. Collection method: clinical testing. Allele origin: paternal. Affected: yes.

Clinical Genetics Laboratory, Skane University Hospital Lund
Classification: Pathogenic for Migraine, familial hemiplegic, 1. Last evaluated: 2026-01-19. Review status: criteria provided, single submitter. Criteria: ACMG Guidelines, 2015. Collection method: clinical testing. Allele origin: germline. Affected: yes.
Comment: ACMG criteria applied: PS3, PS4, PM2, PP1_Strong, PP3, PP4.

Labcorp Genetics (formerly Invitae), Labcorp
Classification: Pathogenic for Developmental and epileptic encephalopathy, 42; Episodic ataxia type 2. Last evaluated: 2025-06-30. Review status: criteria provided, single submitter. Criteria: Invitae Variant Classification Sherloc (09022015). Collection method: clinical testing. Allele origin: germline.
Comment: This sequence change replaces threonine, which is neutral and polar, with methionine, which is neutral and non-polar, at codon 666 of the CACNA1A protein (p.Thr666Met). This variant is present in population databases (rs121908212, gnomAD 0.008%). This missense change has been observed in individuals with hemiplegic migraine (PMID: 8898206, 11814735, 11971066, 24270521, 25274239, 28169007). It has also been observed to segregate with disease in related individuals. ClinVar contains an entry for this variant (Variation ID: 8488). Invitae Evidence Modeling of protein sequence and biophysical properties (such as structural, functional, and spatial information, amino acid conservation, physicochemical variation, residue mobility, and thermodynamic stability) indicates that this missense variant is expected to disrupt CACNA1A protein function with a positive predictive value of 95%. Experimental studies have shown that this missense change affects CACNA1A function (PMID: 9488686, 10024348). For these reasons, this variant has been classified as Pathogenic.

Blueprint Genetics
Classification: Pathogenic for CACNA1A-related disorders. Last evaluated: 2024-10-28. Review status: criteria provided, single submitter. Criteria: ACMG Guidelines, 2015. Collection method: clinical testing. Allele origin: germline. Affected: yes. Observed: 3 variant alleles.

3billion
Classification: Pathogenic for CACNA1A-related disorder. Last evaluated: 2024-06-18. Review status: criteria provided, single submitter. Criteria: ACMG Guidelines, 2015. Collection method: clinical testing. Allele origin: germline. Affected: yes.
Comment: The variant is not observed in the gnomAD v4.0.0 dataset. Predicted Consequence/Location: Missense variant Functional studies provide strong evidence of the variant having a damaging effect on the gene or gene product (PMID: 10024348, 22190617, 9488686). In silico tool predictions suggest damaging effect of the variant on gene or gene product [REVEL: 0.96 (>=0.6, sensitivity 0.68 and specificity 0.92); 3Cnet: 0.70 (>=0.6, sensitivity 0.72 and precision 0.9)]. The same nucleotide change resulting in the same amino acid change has been previously reported as pathogenic/likely pathogenic with strong evidence (ClinVar ID: VCV000008488 /PMID: 8898206 /3billion dataset). The variant has been reported to co-segregate with the disease in at least 7 similarly affected relatives/individuals in at least two unrelated families (PMID: 11814735). Therefore, this variant is classified as Pathogenic according to the recommendation of ACMG/AMP guideline.

Fulgent Genetics
Classification: Pathogenic for Episodic ataxia type 2; Migraine, familial hemiplegic, 1; Spinocerebellar ataxia type 6; Developmental and epileptic encephalopathy, 42. Last evaluated: 2024-05-01. Review status: criteria provided, single submitter. Criteria: ACMG Guidelines, 2015. Collection method: clinical testing. Allele origin: germline.

Mayo Clinic Laboratories, Mayo Clinic
Classification: Pathogenic. Last evaluated: 2024-01-30. Review status: criteria provided, single submitter. Criteria: ACMG Guidelines, 2015. Collection method: clinical testing. Allele origin: germline.
Comment: PP1, PP3, PM2_moderate, PS3, PS4_moderate

Women's Health and Genetics/Laboratory Corporation of America, LabCorp
Classification: Pathogenic for Developmental and epileptic encephalopathy, 42. Last evaluated: 2023-06-17. Review status: criteria provided, single submitter. Criteria: LabCorp Variant Classification Summary - May 2015. Collection method: clinical testing. Allele origin: germline.
Comment: Variant summary: CACNA1A c.1997C>T (p.Thr666Met) results in a non-conservative amino acid change located in the Ion transport domain (IPR005821) of the encoded protein sequence. Five of five in-silico tools predict a damaging effect of the variant on protein function. The variant was absent in 247906 control chromosomes. c.1997C>T has been reported in the literature in multiple individuals affected with Familial Hemiplegic Migraine (example, Ducros_2001, Garcia-Baro-Huarte_2014). These data indicate that the variant is very likely to be associated with disease. At least two publication reports experimental evidence evaluating an impact on protein function (example, Hans_1999). The most pronounced variant effect results in decreased density of functional channels and their unitary conductance consistent with a loss of function mechanism od disease. The following representative publications have been ascertained in the context of this evaluation (PMID: 11439943, 25266619, 10024348). Multiple clinical diagnostic laboratories have submitted clinical-significance assessments for this variant to ClinVar after 2014. All laboratories classified the variant as pathogenic. Based on the evidence outlined above, the variant was classified as pathogenic.

Neuberg Centre For Genomic Medicine, NCGM
Classification: Pathogenic for Developmental and epileptic encephalopathy, 42. Last evaluated: 2023-05-20. Review status: criteria provided, single submitter. Criteria: ACMG Guidelines, 2015. Collection method: clinical testing. Allele origin: germline. Inheritance: Autosomal dominant inheritance. Affected: yes.
Comment: The observed missense variant c.1994C>T(p.Thr665Met) in CACNA1A gene has been reported previously in heterozygous state in multiple individuals with a wide clinical spectrum of symptoms including: Developmental and epileptic encephalopathy, migraines, hemiplegia, comas, progressive cognitive dysfunction, and progressive cerebellar ataxia (Li M, et al., 2019, Kierdaszuk B, et al., 2017). Experimental studies have shown that this missense change affects CACNA1A function (Hans M, et al., 1999). The c.1994C>T variant is absent in gnomAD Exomes. This variant has been submitted to the ClinVar database as Pathogenic (multiple submissions).The amino acid Threonine at position 665 is changed to a Methionine changing protein sequence and it might alter its composition and physico-chemical properties. Multiple lines of computational evidence (SIFT and Mutation Taster) predict a damaging effect on protein structure and function for this variant. The amino acid change p.Thr665Met in CACNA1A is predicted as conserved by GERP++ and PhyloP across 100 vertebrates. For these reasons, this variant has been classified as Pathogenic.

Athena Diagnostics
Classification: Pathogenic. Last evaluated: 2023-04-21. Review status: criteria provided, single submitter. Criteria: Athena Diagnostics Criteria. Collection method: clinical testing. Allele origin: unknown.
Comment: This variant has been identified in individuals with familial hemiplegic migraine (FHM) and/or cerebellar ataxia, and segregates with disease in multiple families. This variant has not been reported in large, multi-ethnic general populations. Assessment of experimental evidence suggests this variant results in abnormal protein function. (PMID:10024348, 22190617, 9488686)